The following is an entry in ClinVar:

ClinVar aggregate classification (germline): Uncertain significance. Review status: criteria provided, multiple submitters, no conflicts (2 of 4 stars). 2 submissions from 2 submitters: Uncertain significance (2). Last evaluated 2026-03-02.

Allele frequency attached by ClinVar (database versions not stated): ExAC 0.00001; gnomAD 0.00001; gnomAD exomes 0.00001; TOPMed 0.00001.
gnomAD v4.1: 4 of 1,614,060 alleles (0.00025%); highest among the groups gnomAD compares: Admixed American, 0.0033%; no homozygotes.

Submissions (2):

GeneDx
Classification: Uncertain significance. Last evaluated: 2026-03-02. Review status: criteria provided, single submitter. Criteria: GeneDx Variant Classification Process June 2021. Collection method: clinical testing. Allele origin: germline.
Comment: In silico analysis supports that this missense variant has a deleterious effect on protein structure/function; Has not been previously published as pathogenic or benign to our knowledge

Labcorp Genetics (formerly Invitae), Labcorp
Classification: Uncertain significance. Last evaluated: 2023-08-30. Review status: criteria provided, single submitter. Criteria: Invitae Variant Classification Sherloc (09022015). Collection method: clinical testing. Allele origin: germline.
Comment: This sequence change replaces aspartic acid, which is acidic and polar, with glycine, which is neutral and non-polar, at codon 553 of the ANK3 protein (p.Asp553Gly). This variant is present in population databases (rs767946572, gnomAD 0.006%). This variant has not been reported in the literature in individuals affected with ANK3-related conditions. ClinVar contains an entry for this variant (Variation ID: 1520713). Advanced modeling of protein sequence and biophysical properties (such as structural, functional, and spatial information, amino acid conservation, physicochemical variation, residue mobility, and thermodynamic stability) performed at Invitae indicates that this missense variant is not expected to disrupt ANK3 protein function. In summary, the available evidence is currently insufficient to determine the role of this variant in disease. Therefore, it has been classified as a Variant of Uncertain Significance.

NM_020987.5(ANK3):c.1658A>G (p.Asp553Gly)

Gene: ANK3 (ankyrin 3; minus strand). Cytogenetic location: 10q21.2.
Variant type: single nucleotide variant.
Coding change: c.1658A>G on transcript NM_020987.5 (MANE Select); coding-DNA position 1658, A replaced by G.
Protein change: p.Asp553Gly; replaces aspartic acid 553 with glycine.
Molecular consequence: missense variant.
Genome position (GRCh38, 1-based): chr10:60,198,371, T>C on the plus strand (A>G on the coding strand, the complement: ANK3 is on the minus strand). VCF-style: chr10-60198371-T-C. GRCh37 (hg19) VCF-style: chr10-61958129-T-C.
Other names: c.1640A>G, p.Asp547Gly (NM_001204403.2); c.1607A>G, p.Asp536Gly (NM_001204404.2); c.1658A>G, p.Asp553Gly (NM_001320874.2); c.1658A>G (NM_020987.3); short protein forms D547G, D536G, D553G.
Identifiers: ClinVar variation 1520713 (VCV001520713.7), dbSNP rs767946572, ClinGen allele CA5513082.
Genomic context (GRCh38, chr10:60,198,371, plus strand): 5'-GAGCAGGATTCTGAGATTTGCTTTCATACCTTTGTTGTTATAGATAAAGACGCTCCATGA[T>C]CCAAAAGGAACGCGGCCACATCCTCATGCCCCTCTCGGGCGGAAAGGTGAAGTGGGGTGT-3'
Protein context (NP_066267.2, residues 543-563): GHEDVAAFLL[Asp553Gly]HGASLSITTK